The following is an entry in ClinVar:

ClinVar aggregate classification (germline): Uncertain significance (1 of 4 stars; one submission).

Conditions:
Inborn genetic diseases. Identifiers: MedGen C0950123, MeSH D030342.

gnomAD v4.1: 2 of 1,613,886 alleles (0.00012%); highest among the groups gnomAD compares: Non-Finnish European, 0.00017%; no homozygotes.

Submission:

Ambry Genetics
Classification: Uncertain significance for Inborn genetic diseases. Last evaluated: 2024-11-28. Review status: criteria provided, single submitter. Criteria: Ambry Variant Classification Scheme 2023. Collection method: clinical testing. Allele origin: germline.
Comment: The p.P336T variant (also known as c.1006C>A), located in coding exon 6 of the ERCC6L2 gene, results from a C to A substitution at nucleotide position 1006. The proline at codon 336 is replaced by threonine, an amino acid with highly similar properties. This amino acid position is conserved. In addition, the in silico prediction for this alteration is inconclusive. Based on the available evidence, the clinical significance of this variant remains unclear.

NM_020207.7(ERCC6L2):c.1006C>A (p.Pro336Thr)

Gene: ERCC6L2 (ERCC excision repair 6 like 2; plus strand). Cytogenetic location: 9q22.32.
Variant type: single nucleotide variant.
Coding change: c.1006C>A on transcript NM_020207.7 (MANE Select); coding-DNA position 1006, C replaced by A.
Protein change: p.Pro336Thr; replaces proline 336 with threonine.
Molecular consequence: missense variant. On other transcripts: non-coding transcript variant (1).
Genome position (GRCh38, 1-based): chr9:95,916,282, C>A. VCF-style: chr9-95916282-C-A. GRCh37 (hg19) VCF-style: chr9-98678564-C-A.
Other names: c.1006C>A, p.Pro336Thr (NM_001010895.4, NM_001375291.1, NM_001375292.1 and 2 more transcripts); short protein forms P336T.
Identifiers: ClinVar variation 3509995 (VCV003509995.1).